The following is an entry in ClinVar:

ClinVar aggregate classification (germline): Benign (0 of 4 stars; one submission).

Conditions:
ALPK2-related disorder. Also called: ALPK2-related condition.

Allele frequency attached by ClinVar (database versions not stated): 1000 Genomes Project 0.40355; 1000 Genomes Project 30x 0.40709; ExAC 0.46901; TOPMed 0.48375; gnomAD 0.49096; ESP Exome Variant Server 0.50538; gnomAD exomes 0.52486.
gnomAD v4.1: 837,594 of 1,608,392 alleles (52%); highest among the groups gnomAD compares: Non-Finnish European, 56%; 223,488 homozygotes.

Submission:

PreventionGenetics, part of Exact Sciences
Classification: Benign for ALPK2-related condition. Last evaluated: 2019-10-17. Review status: no assertion criteria provided. Collection method: clinical testing. Allele origin: germline.
Comment: This variant is classified as benign based on ACMG/AMP sequence variant interpretation guidelines (Richards et al. 2015 PMID: 25741868, with internal and published modifications).

NM_052947.4(ALPK2):c.2428G>A (p.Gly810Ser)

Gene: ALPK2 (alpha kinase 2; minus strand). Cytogenetic location: 18q21.31.
Variant type: single nucleotide variant.
Coding change: c.2428G>A on transcript NM_052947.4 (MANE Select); coding-DNA position 2428, G replaced by A.
Protein change: p.Gly810Ser; replaces glycine 810 with serine.
Molecular consequence: missense variant.
Genome position (GRCh38, 1-based): chr18:58,537,759, C>T on the plus strand (G>A on the coding strand, the complement: ALPK2 is on the minus strand). VCF-style: chr18-58537759-C-T. GRCh37 (hg19) VCF-style: chr18-56204991-C-T.
Other names: short protein forms G810S.
Identifiers: ClinVar variation 3059586 (VCV003059586.2), dbSNP rs3809970, ClinGen allele CA8977079.